The following is an entry in ClinVar:

ClinVar aggregate classification (germline): other (0 of 4 stars; one submission).

Conditions:
Familial colorectal cancer. Identifiers: MedGen CN280943, MONDO:0023113. Disease mechanism: loss of function.

Allele frequency attached by ClinVar (database versions not stated): gnomAD 0.98430 and 0.98545; 1000 Genomes Project 0.98482; 1000 Genomes Project 30x 0.98376; TOPMed 0.98387.
gnomAD v4.1: 150,000 of 152,184 alleles (99%); highest among the groups gnomAD compares: Middle Eastern, 100%; 73,965 homozygotes.

Submission:

Systems Biology Platform Zhejiang California International NanoSystems Institute
Classification: other for Familial colorectal cancer. Review status: no assertion criteria provided. Collection method: not provided. Allele origin: unknown.
ClinVar note: Converted during submission from cancer to other.

NM_001127511.3(APC):c.165+22945G>C

Gene: APC (APC regulator of Wnt signaling pathway; plus strand). Cytogenetic location: 5q22.2.
Variant type: single nucleotide variant.
Coding change: c.165+22945G>C on transcript NM_001127511.3; 22945 bases into the intron after coding-DNA position 165, G replaced by C.
Molecular consequence: intron variant.
Genome position (GRCh38, 1-based): chr5:112,730,827, G>C. VCF-style: chr5-112730827-G-C. GRCh37 (hg19) VCF-style: chr5-112066524-G-C.
Other names: c.-1054+22945G>C (NM_001407470.1, NM_001407472.1); c.-19+22945G>C (NM_001407447.1, NM_001354895.2, NM_001407456.1 and 3 more transcripts); c.165+22945G>C (NM_001407446.1, NM_001354897.2, NM_001354902.2); c.-19+23178G>C (NM_001407448.1, NM_001407450.1, NM_001407457.1 and 1 more transcripts); c.-43+23178G>C (NM_001407453.1).
Identifiers: ClinVar variation 82715 (VCV000082715.4), dbSNP rs469336, ClinGen allele CA023554.